The following is an entry in ClinVar:

ClinVar aggregate classification (germline): Likely benign (1 of 4 stars; one submission).

Allele frequency attached by ClinVar (database versions not stated): 1000 Genomes Project 0.01238; 1000 Genomes Project 30x 0.01249; TOPMed 0.02551; gnomAD 0.02621 and 0.02764.
gnomAD v4.1: 4,101 of 152,272 alleles (2.7%); highest among the groups gnomAD compares: Non-Finnish European, 3.9%; 85 homozygotes.

Submission:

GeneDx
Classification: Likely benign. Last evaluated: 2018-06-14. Review status: criteria provided, single submitter. Criteria: GeneDx Variant Classification (06012015). Collection method: clinical testing. Allele origin: germline. Affected: yes.
Comment: This variant is considered likely benign or benign based on one or more of the following criteria: it is a conservative change, it occurs at a poorly conserved position in the protein, it is predicted to be benign by multiple in silico algorithms, and/or has population frequency not consistent with disease.

NM_001232.4(CASQ2):c.320-268G>T

Gene: CASQ2 (calsequestrin 2; minus strand). Cytogenetic location: 1p13.1.
Variant type: single nucleotide variant.
Coding change: c.320-268G>T on transcript NM_001232.4 (MANE Select); 268 bases into the intron before coding-DNA position 320, G replaced by T.
Molecular consequence: intron variant.
Genome position (GRCh38, 1-based): chr1:115,741,096, C>A on the plus strand (G>T on the coding strand, the complement: CASQ2 is on the minus strand). VCF-style: chr1-115741096-C-A. GRCh37 (hg19) VCF-style: chr1-116283717-C-A.
Identifiers: ClinVar variation 669611 (VCV000669611.1), dbSNP rs12117088, ClinGen allele CA29606490.
Genomic context (GRCh38, chr1:115,741,096, plus strand): 5'-CAGCTGGATTTTGACTTAAAAGAAAAGTCTATTCTCCACTCCACCACTGCTTTAGTTTTC[C>A]AAAAATACAGCTGATCCCATGTCATTCTCTTTATCAAAGAATTGTAATGGCCACTGCCCA-3'